The following is an entry in ClinVar:

NM_000090.4(COL3A1):c.2337+23T>A

Gene: COL3A1 (collagen type III alpha 1 chain; plus strand). Cytogenetic location: 2q32.2.
Variant type: single nucleotide variant.
Coding change: c.2337+23T>A on transcript NM_000090.4 (MANE Select); 23 bases into the intron after coding-DNA position 2337, T replaced by A.
Molecular consequence: intron variant.
Genome position (GRCh38, 1-based): chr2:189,001,473, T>A. VCF-style: chr2-189001473-T-A. GRCh37 (hg19) VCF-style: chr2-189866199-T-A.
Identifiers: ClinVar variation 254962 (VCV000254962.7), dbSNP rs2271682, ClinGen allele CA075212.

ClinVar aggregate classification (germline): Benign. Review status: criteria provided, multiple submitters, no conflicts (2 of 4 stars). 6 submissions from 5 submitters: Benign (6). Last evaluated 2026-09-21.

Conditions:
Polymicrogyria with or without vascular-type Ehlers-Danlos syndrome. Identifiers: Orphanet 636941, MedGen C5193040, MONDO:0032688, OMIM 618343.
Ehlers-Danlos syndrome, type 4 (EDSVASC). Also called: Ehlers-Danlos syndrome vascular type; Ehlers Danlos syndrome, ecchymotic type; Ehlers Danlos syndrome, arterial type; Ehlers Danlos syndrome, Sack-Barabas type; Ehlers-Danlos Syndrome Type IV. Identifiers: Orphanet 286, MedGen C0268338, MONDO:0017314, OMIM 130050.

Allele frequency attached by ClinVar (database versions not stated): ESP Exome Variant Server 0.70129; TOPMed 0.71028; gnomAD 0.71236 and 0.72027; ExAC 0.75866; gnomAD exomes 0.76381; 1000 Genomes Project 30x 0.77623; 1000 Genomes Project 0.77636.
gnomAD v4.1: 1,172,487 of 1,613,732 alleles (73%); highest among the groups gnomAD compares: East Asian, 91%; 428,813 homozygotes.

Submissions (6):

Molecular Diagnostic Laboratory for Inherited Cardiovascular Disease, Montreal Heart Institute
Classification: Benign. Last evaluated: 2026-09-21. Review status: criteria provided, single submitter. Criteria: ACMG Guidelines, 2015. Collection method: clinical testing. Allele origin: germline. Affected: no.
Comment: BA1

Genome-Nilou Lab
Classification: Benign for Ehlers-Danlos syndrome, type 4. Last evaluated: 2021-07-22. Review status: criteria provided, single submitter. Criteria: ACMG Guidelines, 2015. Collection method: clinical testing. Allele origin: germline. Affected: no.

Genome-Nilou Lab
Classification: Benign for Polymicrogyria with or without vascular-type Ehlers-Danlos syndrome. Last evaluated: 2021-07-22. Review status: criteria provided, single submitter. Criteria: ACMG Guidelines, 2015. Collection method: clinical testing. Allele origin: germline. Affected: no.

GeneDx
Classification: Benign. Last evaluated: 2018-06-14. Review status: criteria provided, single submitter. Criteria: GeneDx Variant Classification (06012015). Collection method: clinical testing. Allele origin: germline. Affected: yes.
Comment: This variant is considered likely benign or benign based on one or more of the following criteria: it is a conservative change, it occurs at a poorly conserved position in the protein, it is predicted to be benign by multiple in silico algorithms, and/or has population frequency not consistent with disease.

Breakthrough Genomics
Classification: Benign. Review status: criteria provided, single submitter. Criteria: ACMG Guidelines, 2015. Collection method: not provided. Allele origin: germline. Inheritance: Autosomal recessive inheritance. Affected: yes.

PreventionGenetics, part of Exact Sciences
Classification: Benign. Review status: criteria provided, single submitter. Criteria: ACMG Guidelines, 2015. Collection method: clinical testing. Allele origin: germline.